The following is an entry in ClinVar:

ClinVar aggregate classification (germline): Pathogenic (1 of 4 stars; one submission).

Conditions:
Myopathy, RYR1-associated.

Submission:

Women's Health and Genetics/Laboratory Corporation of America, LabCorp
Classification: Pathogenic. Last evaluated: 2024-01-12. Review status: criteria provided, single submitter. Criteria: LabCorp Variant Classification Summary - May 2015. Collection method: clinical testing. Allele origin: germline.
Comment: Variant summary: RYR1 c.643G>T (p.Gly215X) results in a premature termination codon, predicted to cause a truncation of the encoded protein or absence of the protein due to nonsense mediated decay, which are commonly known mechanisms for disease. The variant was absent in 251438 control chromosomes. To our knowledge, no occurrence of c.643G>T in individuals affected with Myopathy, RYR1-Associated and no experimental evidence demonstrating its impact on protein function have been reported. No submitters have cited clinical-significance assessments for this variant to ClinVar. Based on the evidence outlined above, the variant was classified as pathogenic.

NM_000540.3(RYR1):c.643G>T (p.Gly215Ter)

Gene: RYR1 (ryanodine receptor 1; plus strand). Cytogenetic location: 19q13.2.
Variant type: single nucleotide variant.
Coding change: c.643G>T on transcript NM_000540.3 (MANE Select); coding-DNA position 643, G replaced by T.
Protein change: p.Gly215Ter; replaces glycine 215 with a stop codon.
Molecular consequence: nonsense.
Genome position (GRCh38, 1-based): chr19:38,446,483, G>T. VCF-style: chr19-38446483-G-T. GRCh37 (hg19) VCF-style: chr19-38937123-G-T.
Other names: c.643G>T, p.Gly215Ter (NM_001042723.2); short protein forms G215*.
Identifiers: ClinVar variation 3063880 (VCV003063880.1), dbSNP rs1393197844, ClinGen allele CA405679278.